The following is an entry in ClinVar:

ClinVar aggregate classification (germline): Uncertain significance. Review status: criteria provided, multiple submitters, no conflicts (2 of 4 stars). 2 submissions from 2 submitters: Uncertain significance (2). Last evaluated 2025-11-03.

Conditions:
Generalized epilepsy-paroxysmal dyskinesia syndrome (PNKD3). Also called: Paroxysmal nonkinesigenic dyskinesia, 3, with or without generalized epilepsy; Generalized epilepsy and paroxysmal dyskinesia. Identifiers: Orphanet 79137, MedGen C5574945, MONDO:0012276, OMIM 609446.

Submissions (2):

Labcorp Genetics (formerly Invitae), Labcorp
Classification: Uncertain significance for Generalized epilepsy-paroxysmal dyskinesia syndrome. Last evaluated: 2025-11-03. Review status: criteria provided, single submitter. Criteria: Invitae Variant Classification Sherloc (09022015). Collection method: clinical testing. Allele origin: germline.
Comment: This variant, c.22_30del, results in the deletion of 3 amino acid(s) of the KCNMA1 protein (p.Gly8_Gly10del), but otherwise preserves the integrity of the reading frame. The frequency data for this variant in the population databases is considered unreliable, as metrics indicate poor data quality at this position in the gnomAD database. This variant has not been reported in the literature in individuals affected with KCNMA1-related conditions. Experimental studies and prediction algorithms are not available or were not evaluated, and the functional significance of this variant is currently unknown. In summary, the available evidence is currently insufficient to determine the role of this variant in disease. Therefore, it has been classified as a Variant of Uncertain Significance.

Blueprint Genetics
Classification: Uncertain significance. Last evaluated: 2020-04-14. Review status: criteria provided, single submitter. Criteria: ACMG Guidelines, 2015. Collection method: clinical testing. Allele origin: germline.

NM_001161352.2(KCNMA1):c.13GGC[3] (p.Gly8_Gly10del)

Gene: KCNMA1 (potassium calcium-activated channel subfamily M alpha 1; minus strand). Cytogenetic location: 10q22.3.
Variant type: Microsatellite.
Coding change: c.13GGC[3] on transcript NM_001161352.2 (MANE Select); three copies in a row of the 3-base unit GGC starting at c.13; the reference has six copies in a row; three copies, 9 bases deleted.
Protein change: p.Gly8_Gly10del.
Molecular consequence: inframe deletion.
Genome position (GRCh38, 1-based): chr10:77,637,613-77,637,621, GCCGCCGCC deleted on the plus strand (GGCGGCGGC on the coding strand, the reverse complement: KCNMA1 is on the minus strand); deleting any 9 consecutive bases within chr10:77,637,613-77,637,630 gives the same sequence; the position shown is the placement nearest the transcript's 3' end. VCF-style (leftmost placement, unchanged base first): chr10-77637612-TGCCGCCGCC-T. GRCh37 (hg19) VCF-style: chr10-79397370-TGCCGCCGCC-T.
Other names: c.13GGC[3], p.Gly8_Gly10del (NM_001014797.3, NM_001161353.2, NM_001271518.2 and 12 more transcripts).
Identifiers: ClinVar variation 1499367 (VCV001499367.9), dbSNP rs750804948, ClinGen allele CA210159568.